The following is an entry in ClinVar:

NM_006416.5(SLC35A1):c.508-66G>A

Gene: SLC35A1 (solute carrier family 35 member A1; plus strand). Cytogenetic location: 6q15.
Variant type: single nucleotide variant.
Coding change: c.508-66G>A on transcript NM_006416.5 (MANE Select); 66 bases into the intron before coding-DNA position 508, G replaced by A.
Molecular consequence: intron variant.
Genome position (GRCh38, 1-based): chr6:87,506,316, G>A. VCF-style: chr6-87506316-G-A. GRCh37 (hg19) VCF-style: chr6-88216034-G-A.
Other names: c.508-66G>A (NM_001168398.2).
Identifiers: ClinVar variation 1683937 (VCV001683937.2), dbSNP rs144300981, ClinGen allele CA142883998.
Genomic context (GRCh38, chr6:87,506,316, plus strand): 5'-AGCTGTGTCTGATGTGGAATATACTTTTAGTAAGACTGTAACAGGTTTTTGTATTTATTT[G>A]TTTGGACTCTTGGATGAACTCTGTTTATTAGTCACTAAAAATAACTTTAACAATTAATAT-3'

ClinVar aggregate classification (germline): Likely benign (1 of 4 stars; one submission).

Allele frequency attached by ClinVar (database versions not stated): ESP Exome Variant Server 0.00263; 1000 Genomes Project 0.00359; 1000 Genomes Project 30x 0.00375; gnomAD 0.00402 and 0.00430; TOPMed 0.00463.

Submission:

GeneDx
Classification: Likely benign. Last evaluated: 2021-11-04. Review status: criteria provided, single submitter. Criteria: GeneDx Variant Classification Process June 2021. Collection method: clinical testing. Allele origin: germline. Affected: yes.
Comment: See Variant Classification Assertion Criteria.